The following is an entry in ClinVar:

NM_000264.5(PTCH1):c.1273A>G (p.Thr425Ala)

Gene: PTCH1 (patched 1; minus strand). Cytogenetic location: 9q22.32.
Variant type: single nucleotide variant.
Coding change: c.1273A>G on transcript NM_000264.5 (MANE Select); coding-DNA position 1273, A replaced by G.
Protein change: p.Thr425Ala; replaces threonine 425 with alanine.
Molecular consequence: missense variant. On other transcripts: non-coding transcript variant (1).
Genome position (GRCh38, 1-based): chr9:95,478,129, T>C on the plus strand (A>G on the coding strand, the complement: PTCH1 is on the minus strand). VCF-style: chr9-95478129-T-C. GRCh37 (hg19) VCF-style: chr9-98240411-T-C.
Other names: c.1075A>G, p.Thr359Ala (NM_001083602.3); c.1270A>G, p.Thr424Ala (NM_001083603.3); c.820A>G, p.Thr274Ala (NM_001083604.3, NM_001083605.3, NM_001083606.3 and 1 more transcripts); c.1273A>G, p.Thr425Ala (NM_001354918.2); short protein forms T425A, T274A, T359A, T424A.
Identifiers: ClinVar variation 2560644 (VCV002560644.5), dbSNP rs2538210876, ClinGen allele CA374118852.

ClinVar aggregate classification (germline): Uncertain significance. Review status: criteria provided, multiple submitters, no conflicts (2 of 4 stars). 2 submissions from 2 submitters: Uncertain significance (2). Last evaluated 2024-11-12.

Conditions:
Gorlin syndrome. Also called: Nevoid Basal Cell Carcinoma Syndrome; Basal cell nevus syndrome. Identifiers: Orphanet 377, MedGen C0004779, MONDO:0007187.
Hereditary cancer-predisposing syndrome. Also called: Tumor predisposition; Hereditary neoplastic syndrome; Neoplastic Syndromes, Hereditary; Hereditary Cancer Syndrome. Identifiers: Orphanet 140162, MedGen C0027672, MeSH D009386, MONDO:0015356.

Submissions (2):

Labcorp Genetics (formerly Invitae), Labcorp
Classification: Uncertain significance for Gorlin syndrome. Last evaluated: 2024-11-12. Review status: criteria provided, single submitter. Criteria: Invitae Variant Classification Sherloc (09022015). Collection method: clinical testing. Allele origin: germline.
Comment: This sequence change replaces threonine, which is neutral and polar, with alanine, which is neutral and non-polar, at codon 425 of the PTCH1 protein (p.Thr425Ala). This variant is not present in population databases (gnomAD no frequency). This variant has not been reported in the literature in individuals affected with PTCH1-related conditions. ClinVar contains an entry for this variant (Variation ID: 2560644). Invitae Evidence Modeling of protein sequence and biophysical properties (such as structural, functional, and spatial information, amino acid conservation, physicochemical variation, residue mobility, and thermodynamic stability) indicates that this missense variant is not expected to disrupt PTCH1 protein function with a negative predictive value of 95%. In summary, the available evidence is currently insufficient to determine the role of this variant in disease. Therefore, it has been classified as a Variant of Uncertain Significance.

Ambry Genetics
Classification: Uncertain significance for Hereditary cancer-predisposing syndrome. Last evaluated: 2023-06-05. Review status: criteria provided, single submitter. Criteria: Ambry Variant Classification Scheme 2023. Collection method: clinical testing. Allele origin: germline.
Comment: The p.T425A variant (also known as c.1273A>G), located in coding exon 9 of the PTCH1 gene, results from an A to G substitution at nucleotide position 1273. The threonine at codon 425 is replaced by alanine, an amino acid with similar properties. This amino acid position is conserved. In addition, the in silico prediction for this alteration is inconclusive. Since supporting evidence is limited at this time, the clinical significance of this alteration remains unclear.